The following is an entry in ClinVar:

ClinVar aggregate classification (germline): Uncertain significance (1 of 4 stars; one submission).

Conditions:
Early-infantile DEE. Also called: Ohtahara syndrome; Early infantile epileptic encephalopathy; Early infantile epileptic encephalopathy with suppression bursts. Identifiers: Orphanet 1934, MedGen C0393706, MONDO:0800491.

Allele frequency attached by ClinVar (database versions not stated): gnomAD exomes below 0.00001.
gnomAD v4.1: 5 of 1,599,074 alleles (0.00031%); highest among the groups gnomAD compares: Non-Finnish European, 0.00043%; no homozygotes.

Submission:

Labcorp Genetics (formerly Invitae), Labcorp
Classification: Uncertain significance for Early-infantile DEE. Last evaluated: 2021-09-20. Review status: criteria provided, single submitter. Criteria: Invitae Variant Classification Sherloc (09022015). Collection method: clinical testing. Allele origin: germline.
Comment: This variant is not present in population databases (ExAC no frequency). This variant has not been reported in the literature in individuals affected with SLC25A22-related conditions. Algorithms developed to predict the effect of missense changes on protein structure and function output the following: SIFT: "Tolerated"; PolyPhen-2: "Benign"; Align-GVGD: "Class C0". The alanine amino acid residue is found in multiple mammalian species, which suggests that this missense change does not adversely affect protein function. In summary, the available evidence is currently insufficient to determine the role of this variant in disease. Therefore, it has been classified as a Variant of Uncertain Significance. This sequence change replaces threonine with alanine at codon 47 of the SLC25A22 protein (p.Thr47Ala). The threonine residue is moderately conserved and there is a small physicochemical difference between threonine and alanine.

NM_001191061.2(SLC25A22):c.139A>G (p.Thr47Ala)

Gene: SLC25A22 (solute carrier family 25 member 22; minus strand). Cytogenetic location: 11p15.5.
Variant type: single nucleotide variant.
Coding change: c.139A>G on transcript NM_001191061.2 (MANE Select); coding-DNA position 139, A replaced by G.
Protein change: p.Thr47Ala; replaces threonine 47 with alanine.
Molecular consequence: missense variant.
Genome position (GRCh38, 1-based): chr11:794,783, T>C on the plus strand (A>G on the coding strand, the complement: SLC25A22 is on the minus strand). VCF-style: chr11-794783-T-C. GRCh37 (hg19) VCF-style: chr11-794783-T-C.
Other names: c.139A>G, p.Thr47Ala (NM_001191060.2, NM_024698.6); short protein forms T47A.
Identifiers: ClinVar variation 1374677 (VCV001374677.7), dbSNP rs2133712970, ClinGen allele CA378921827.